The following is an entry in ClinVar:

NM_006734.4(HIVEP2):c.1895A>T (p.Asp632Val)

Gene: HIVEP2 (HIVEP zinc finger 2; minus strand). Cytogenetic location: 6q24.2.
Variant type: single nucleotide variant.
Coding change: c.1895A>T on transcript NM_006734.4 (MANE Select); coding-DNA position 1895, A replaced by T.
Protein change: p.Asp632Val; replaces aspartic acid 632 with valine.
Molecular consequence: missense variant.
Genome position (GRCh38, 1-based): chr6:142,772,844, T>A on the plus strand (A>T on the coding strand, the complement: HIVEP2 is on the minus strand). VCF-style: chr6-142772844-T-A. GRCh37 (hg19) VCF-style: chr6-143093981-T-A.
Other names: short protein forms D632V.
Identifiers: ClinVar variation 3899667 (VCV003899667.1).

ClinVar aggregate classification (germline): Uncertain significance (1 of 4 stars; one submission).

Submission:

GeneDx
Classification: Uncertain significance. Last evaluated: 2024-11-14. Review status: criteria provided, single submitter. Criteria: GeneDx Variant Classification Process June 2021. Collection method: clinical testing. Allele origin: germline. Affected: yes.
Comment: Not observed at significant frequency in large population cohorts (gnomAD); In silico analysis indicates that this missense variant does not alter protein structure/function; Has not been previously published as pathogenic or benign to our knowledge